The following is an entry in ClinVar:

ClinVar aggregate classification (germline): Conflicting classifications of pathogenicity. Review status: criteria provided, conflicting classifications (1 of 4 stars). 2 submissions from 2 submitters: Uncertain significance (1); Likely benign (1). Last evaluated 2024-10-23.

Conditions:
Inborn genetic diseases. Identifiers: MedGen C0950123, MeSH D030342.

Allele frequency attached by ClinVar (database versions not stated): TOPMed below 0.00001; ExAC 0.00001; gnomAD 0.00001; gnomAD exomes 0.00001.
gnomAD v4.1: 7 of 1,598,740 alleles (0.00044%); highest among the groups gnomAD compares: Non-Finnish European, 0.00042%; no homozygotes.

Submissions (2):

Labcorp Genetics (formerly Invitae), Labcorp
Classification: Uncertain significance. Last evaluated: 2024-10-23. Review status: criteria provided, single submitter. Criteria: Invitae Variant Classification Sherloc (09022015). Collection method: clinical testing. Allele origin: germline.
Comment: This sequence change replaces valine, which is neutral and non-polar, with alanine, which is neutral and non-polar, at codon 236 of the CCDC8 protein (p.Val236Ala). This variant is present in population databases (rs745566147, gnomAD 0.002%). This variant has not been reported in the literature in individuals affected with CCDC8-related conditions. ClinVar contains an entry for this variant (Variation ID: 2340259). An algorithm developed to predict the effect of missense changes on protein structure and function outputs the following: PolyPhen-2: "Benign". The alanine amino acid residue is found in multiple mammalian species, which suggests that this missense change does not adversely affect protein function. In summary, the available evidence is currently insufficient to determine the role of this variant in disease. Therefore, it has been classified as a Variant of Uncertain Significance.

Ambry Genetics
Classification: Likely benign for Inborn genetic diseases. Last evaluated: 2022-12-28. Review status: criteria provided, single submitter. Criteria: Ambry Variant Classification Scheme 2023. Collection method: clinical testing. Allele origin: germline.

NM_032040.5(CCDC8):c.707T>C (p.Val236Ala)

Gene: CCDC8 (coiled-coil domain containing 8 subunit of 3M complex; minus strand). Cytogenetic location: 19q13.32.
Variant type: single nucleotide variant.
Coding change: c.707T>C on transcript NM_032040.5 (MANE Select); coding-DNA position 707, T replaced by C.
Protein change: p.Val236Ala; replaces valine 236 with alanine.
Molecular consequence: missense variant.
Genome position (GRCh38, 1-based): chr19:46,412,104, A>G on the plus strand (T>C on the coding strand, the complement: CCDC8 is on the minus strand). VCF-style: chr19-46412104-A-G. GRCh37 (hg19) VCF-style: chr19-46915361-A-G.
Other names: short protein forms V236A.
Identifiers: ClinVar variation 2340259 (VCV002340259.4), dbSNP rs745566147, ClinGen allele CA9528658.